The following is an entry in ClinVar:

ClinVar aggregate classification (germline): Uncertain significance. Review status: criteria provided, multiple submitters, no conflicts (2 of 4 stars). 5 submissions from 5 submitters: Uncertain significance (5). Last evaluated 2025-10-27.

Conditions:
Familial thoracic aortic aneurysm and aortic dissection (TAAD). Also called: Thoracic aortic aneurysms and dissections. Identifiers: Orphanet 91387, MedGen C4707243, MONDO:0019625.
Aortic aneurysm, familial thoracic 7 (AAT7). Also called: AORTIC DISSECTION, FAMILIAL, WITH OR WITHOUT AORTIC ANEURYSM. Identifiers: MedGen C3151077, MONDO:0013418, OMIM 613780.

Allele frequency attached by ClinVar (database versions not stated): ExAC 0.00002; gnomAD 0.00002 and 0.00003; gnomAD exomes 0.00002; TOPMed 0.00002.
gnomAD v4.1: 45 of 1,614,180 alleles (0.0028%); highest among the groups gnomAD compares: East Asian, 0.0067%; no homozygotes.

Submissions (5):

Ambry Genetics
Classification: Uncertain significance for Familial thoracic aortic aneurysm and aortic dissection. Last evaluated: 2025-10-27. Review status: criteria provided, single submitter. Criteria: Ambry Variant Classification Scheme 2023. Collection method: clinical testing. Allele origin: germline.
Comment: The p.E696K variant (also known as c.2086G>A), located in coding exon 12 of the MYLK gene, results from a G to A substitution at nucleotide position 2086. The glutamic acid at codon 696 is replaced by lysine, an amino acid with similar properties. This amino acid position is conserved. In addition, the in silico prediction for this alteration is inconclusive. Since supporting evidence is limited at this time, the clinical significance of this alteration remains unclear.

GeneDx
Classification: Uncertain significance. Last evaluated: 2025-05-13. Review status: criteria provided, single submitter. Criteria: GeneDx Variant Classification Process June 2021. Collection method: clinical testing. Allele origin: germline. Affected: yes.
Comment: In silico analysis suggests that this missense variant does not alter protein structure/function; Has not been previously published as pathogenic or benign to our knowledge

Labcorp Genetics (formerly Invitae), Labcorp
Classification: Uncertain significance for Aortic aneurysm, familial thoracic 7. Last evaluated: 2022-02-23. Review status: criteria provided, single submitter. Criteria: Invitae Variant Classification Sherloc (09022015). Collection method: clinical testing. Allele origin: germline.
Comment: In summary, the available evidence is currently insufficient to determine the role of this variant in disease. Therefore, it has been classified as a Variant of Uncertain Significance. Advanced modeling of protein sequence and biophysical properties (such as structural, functional, and spatial information, amino acid conservation, physicochemical variation, residue mobility, and thermodynamic stability) performed at Invitae indicates that this missense variant is not expected to disrupt MYLK protein function. ClinVar contains an entry for this variant (Variation ID: 1199188). This variant has not been reported in the literature in individuals affected with MYLK-related conditions. This variant is present in population databases (rs769548990, gnomAD 0.005%). This sequence change replaces glutamic acid, which is acidic and polar, with lysine, which is basic and polar, at codon 696 of the MYLK protein (p.Glu696Lys).

MGZ Medical Genetics Center
Classification: Uncertain significance for Aortic aneurysm, familial thoracic 7. Last evaluated: 2022-01-28. Review status: criteria provided, single submitter. Criteria: ACMG Guidelines, 2015. Collection method: clinical testing. Allele origin: germline. Affected: yes. Observed: 2 variant alleles.
Comment: ACMG criteria applied: PM2_SUP, BP4

Illumina Laboratory Services, Illumina
Classification: Uncertain significance for Aortic aneurysm, familial thoracic 7. Last evaluated: 2020-11-18. Review status: criteria provided, single submitter. Criteria: ICSLVariantClassificationCriteria RUGD 01 April 2020. Collection method: clinical testing. Allele origin: unknown.
Comment: The MYLK c.2086G>A (p.Glu696Lys) variant is a missense variant. A literature search was performed for the gene, cDNA change, and amino acid change. No publications were found based on this search. The variant is reported at a frequency of 0.000031 in the European (non-Finnish) population from the Genome Aggregation Database. Based on the limited evidence, the p.Glu696Lys variant is classified as a variant of uncertain significance for thoracic aortic aneurysms and aortic dissections.

NM_053025.4(MYLK):c.2086G>A (p.Glu696Lys)

Gene: MYLK (myosin light chain kinase; minus strand). Cytogenetic location: 3q21.1.
Variant type: single nucleotide variant.
Coding change: c.2086G>A on transcript NM_053025.4 (MANE Select); coding-DNA position 2086, G replaced by A.
Protein change: p.Glu696Lys; replaces glutamic acid 696 with lysine.
Molecular consequence: missense variant.
Genome position (GRCh38, 1-based): chr3:123,708,752, C>T on the plus strand (G>A on the coding strand, the complement: MYLK is on the minus strand). VCF-style: chr3-123708752-C-T. GRCh37 (hg19) VCF-style: chr3-123427599-C-T.
Other names: c.2086G>A (NM_053025.3); c.1558G>A, p.Glu520Lys (NM_001321309.2); c.1879G>A, p.Glu627Lys (NM_053026.4, NM_053028.4); c.2086G>A, p.Glu696Lys (NM_053027.4); short protein forms E520K, E627K, E696K.
Identifiers: ClinVar variation 1199188 (VCV001199188.18), dbSNP rs769548990, ClinGen allele CA068019.